The following is an entry in ClinVar:

ClinVar aggregate classification (germline): Pathogenic (1 of 4 stars; one submission).

Submission:

Ambry Genetics
Classification: Pathogenic. Last evaluated: 2025-11-14. Review status: criteria provided, single submitter. Criteria: Ambry Variant Classification Scheme 2023. Collection method: clinical testing. Allele origin: germline.
Comment: The c.5512C>T (p.Q1838*) alteration, located in exon 9 (coding exon 8) of the ZFHX3 gene, consists of a C to T substitution at nucleotide position 5512. This changes the amino acid from a glutamine (Q) to a stop codon at amino acid position 1838. This alteration is expected to result in loss of function by premature protein truncation or nonsense-mediated mRNA decay. This variant was not reported in population-based cohorts in the Genome Aggregation Database (gnomAD). Based on the available evidence, this alteration is classified as pathogenic.

NM_006885.4(ZFHX3):c.5512C>T (p.Gln1838Ter)

Genes: ZFHX3 (zinc finger homeobox 3; minus strand), ZFHX3-AS1 (ZFHX3 antisense RNA 1; plus strand). Cytogenetic location: 16q22.2.
Variant type: single nucleotide variant.
Coding change: c.5512C>T on transcript NM_006885.4 (MANE Select); coding-DNA position 5512, C replaced by T.
Protein change: p.Gln1838Ter; replaces glutamine 1838 with a stop codon.
Molecular consequence: nonsense.
Genome position (GRCh38, 1-based): chr16:72,797,170, G>A on the plus strand (C>T on the coding strand, the complement: ZFHX3 is on the minus strand). VCF-style: chr16-72797170-G-A. GRCh37 (hg19) VCF-style: chr16-72831069-G-A.
Other names: c.2770C>T, p.Gln924Ter (NM_001164766.2); c.5512C>T, p.Gln1838Ter (NM_001386735.1); short protein forms Q1838*, Q924*.
Identifiers: ClinVar variation 4607423 (VCV004607423.1).